The following is an entry in ClinVar:

ClinVar aggregate classification (germline): Uncertain significance (1 of 4 stars; one submission).

gnomAD v4.1: 5 of 1,614,086 alleles (0.00031%); highest among the groups gnomAD compares: South Asian, 0.0011%; no homozygotes.

Submission:

Labcorp Genetics (formerly Invitae), Labcorp
Classification: Uncertain significance. Last evaluated: 2024-03-14. Review status: criteria provided, single submitter. Criteria: Invitae Variant Classification Sherloc (09022015). Collection method: clinical testing. Allele origin: germline.
Comment: This sequence change replaces arginine, which is basic and polar, with glutamine, which is neutral and polar, at codon 3939 of the KMT2A protein (p.Arg3939Gln). This variant is present in population databases (no rsID available, gnomAD 0.0009%). This variant has not been reported in the literature in individuals affected with KMT2A-related conditions. Advanced modeling of protein sequence and biophysical properties (such as structural, functional, and spatial information, amino acid conservation, physicochemical variation, residue mobility, and thermodynamic stability) performed at Invitae indicates that this missense variant is not expected to disrupt KMT2A protein function with a negative predictive value of 95%. In summary, the available evidence is currently insufficient to determine the role of this variant in disease. Therefore, it has been classified as a Variant of Uncertain Significance.

NM_001197104.2(KMT2A):c.11816G>A (p.Arg3939Gln)

Genes: KMT2A (lysine methyltransferase 2A; plus strand), TTC36-AS1 (TTC36 and KMT2A antisense RNA 1; minus strand). Cytogenetic location: 11q23.3.
Variant type: single nucleotide variant.
Coding change: c.11816G>A on transcript NM_001197104.2 (MANE Select); coding-DNA position 11816, G replaced by A.
Protein change: p.Arg3939Gln; replaces arginine 3939 with glutamine.
Molecular consequence: missense variant.
Genome position (GRCh38, 1-based): chr11:118,522,069, G>A. VCF-style: chr11-118522069-G-A. GRCh37 (hg19) VCF-style: chr11-118392784-G-A.
Other names: c.11906G>A, p.Arg3969Gln (NM_001412597.1); c.11807G>A, p.Arg3936Gln (NM_005933.4); short protein forms R3969Q, R3936Q, R3939Q.
Identifiers: ClinVar variation 3718901 (VCV003718901.2).